The following is an entry in ClinVar:

ClinVar aggregate classification (germline): Uncertain significance (1 of 4 stars; one submission).

Allele frequency attached by ClinVar (database versions not stated): TOPMed below 0.00001; ExAC 0.00002; gnomAD exomes 0.00004; gnomAD 0.00001.
gnomAD v4.1: 56 of 1,611,872 alleles (0.0035%); highest among the groups gnomAD compares: Non-Finnish European, 0.0045%; no homozygotes.

Submission:

Labcorp Genetics (formerly Invitae), Labcorp
Classification: Uncertain significance. Last evaluated: 2025-03-17. Review status: criteria provided, single submitter. Criteria: Invitae Variant Classification Sherloc (09022015). Collection method: clinical testing. Allele origin: germline.
Comment: This sequence change replaces aspartic acid, which is acidic and polar, with asparagine, which is neutral and polar, at codon 79 of the ASCC1 protein (p.Asp79Asn). This variant is present in population databases (rs780444781, gnomAD 0.003%). This variant has not been reported in the literature in individuals affected with ASCC1-related conditions. ClinVar contains an entry for this variant (Variation ID: 2971054). Invitae Evidence Modeling of protein sequence and biophysical properties (such as structural, functional, and spatial information, amino acid conservation, physicochemical variation, residue mobility, and thermodynamic stability) indicates that this missense variant is not expected to disrupt ASCC1 protein function with a negative predictive value of 80%. In summary, the available evidence is currently insufficient to determine the role of this variant in disease. Therefore, it has been classified as a Variant of Uncertain Significance.

NM_001198800.3(ASCC1):c.235G>A (p.Asp79Asn)

Gene: ASCC1 (activating signal cointegrator 1 complex subunit 1; minus strand). Cytogenetic location: 10q22.1.
Variant type: single nucleotide variant.
Coding change: c.235G>A on transcript NM_001198800.3 (MANE Select); coding-DNA position 235, G replaced by A.
Protein change: p.Asp79Asn; replaces aspartic acid 79 with asparagine.
Molecular consequence: missense variant. On other transcripts: non-coding transcript variant (1).
Genome position (GRCh38, 1-based): chr10:72,203,502, C>T on the plus strand (G>A on the coding strand, the complement: ASCC1 is on the minus strand). VCF-style: chr10-72203502-C-T. GRCh37 (hg19) VCF-style: chr10-73963260-C-T.
Other names: c.235G>A, p.Asp79Asn (NM_001369111.1, NM_001369112.1, NM_001369108.1 and 18 more transcripts); c.301G>A, p.Asp101Asn (NM_001369099.1, NM_001369085.1, NM_001369086.1); c.118G>A, p.Asp40Asn (NM_001369101.1, NM_001369102.1, NM_001369105.1 and 2 more transcripts); c.319G>A, p.Asp107Asn (NM_001198799.3); short protein forms D101N, D107N, D79N, D40N.
Identifiers: ClinVar variation 2971054 (VCV002971054.3), dbSNP rs780444781, ClinGen allele CA5549079.
Genomic context (GRCh38, chr10:72,203,502, plus strand): 5'-GTCCAGGTTTAGGAATGCTAATAGAAGTTTTGGTCTCCATTTCTATTTTCTTCCTAGTGT[C>T]CCCTCTCTTTCCAACTATATGCCTGTAACATAAAGTAATTAAAAGAAGATTAAGTCAAAA-3'
Protein context (NP_001185729.1, residues 69-89): LYKHIVGKRG[Asp79Asn]TRKKIEMETK